The following is an entry in ClinVar:

ClinVar aggregate classification (germline): Likely benign. Review status: criteria provided, single submitter (1 of 4 stars). 2 submissions from 2 submitters: Likely benign (1). 1 of the submissions does not count toward it. Last evaluated 2025-01-27.

Conditions:
PLXNA2-related disorder. Also called: PLXNA2-related condition.

Allele frequency attached by ClinVar (database versions not stated): ESP Exome Variant Server 0.00008.
gnomAD v4.1: 33 of 1,614,214 alleles (0.002%); highest among the groups gnomAD compares: Middle Eastern, 0.016%; no homozygotes.

Submissions (2):

Labcorp Genetics (formerly Invitae), Labcorp
Classification: Likely benign. Last evaluated: 2025-01-27. Review status: criteria provided, single submitter. Criteria: Invitae Variant Classification Sherloc (09022015). Collection method: clinical testing. Allele origin: germline.

PreventionGenetics, part of Exact Sciences
Classification: Likely benign for PLXNA2-related condition. Last evaluated: 2023-05-02. Review status: no assertion criteria provided. Collection method: clinical testing. Allele origin: germline. Not counted in ClinVar's aggregate classification.
Comment: This variant is classified as likely benign based on ACMG/AMP sequence variant interpretation guidelines (Richards et al. 2015 PMID: 25741868, with internal and published modifications).

NM_025179.4(PLXNA2):c.3429G>A (p.Pro1143=)

Gene: PLXNA2 (plexin A2; minus strand). Cytogenetic location: 1q32.2.
Variant type: single nucleotide variant.
Coding change: c.3429G>A on transcript NM_025179.4 (MANE Select); coding-DNA position 3429, G replaced by A.
Protein change: p.Pro1143=; no amino-acid change (proline 1143 retained).
Molecular consequence: synonymous variant.
Genome position (GRCh38, 1-based): chr1:208,045,944, C>T on the plus strand (G>A on the coding strand, the complement: PLXNA2 is on the minus strand). VCF-style: chr1-208045944-C-T. GRCh37 (hg19) VCF-style: chr1-208219289-C-T.
Other names: c.3429G>A (NM_025179.3).
Identifiers: ClinVar variation 2427875 (VCV002427875.9), dbSNP rs373911029, ClinGen allele CA1373199.